The following is an entry in ClinVar:

NM_012310.5(KIF4A):c.373G>C (p.Glu125Gln)

Gene: KIF4A (kinesin family member 4A; plus strand). Cytogenetic location: Xq13.1.
Variant type: single nucleotide variant.
Coding change: c.373G>C on transcript NM_012310.5 (MANE Select); coding-DNA position 373, G replaced by C.
Protein change: p.Glu125Gln; replaces glutamic acid 125 with glutamine.
Molecular consequence: missense variant.
Genome position (GRCh38, 1-based): chrX:70,297,135, G>C. VCF-style: chrX-70297135-G-C. GRCh37 (hg19) VCF-style: chrX-69516985-G-C.
Other names: short protein forms E125Q.
Identifiers: ClinVar variation 3365616 (VCV003365616.1).

ClinVar aggregate classification (germline): Uncertain significance (1 of 4 stars; one submission).

Submission:

GeneDx
Classification: Uncertain significance. Last evaluated: 2023-12-15. Review status: criteria provided, single submitter. Criteria: GeneDx Variant Classification Process June 2021. Collection method: clinical testing. Allele origin: germline. Affected: yes.
Comment: Not observed at significant frequency in large population cohorts (gnomAD); In silico analysis supports that this missense variant does not alter protein structure/function; Has not been previously published as pathogenic or benign to our knowledge